The following is an entry in ClinVar:

ClinVar aggregate classification (germline): Uncertain significance (1 of 4 stars; one submission).

Conditions:
Ehlers-Danlos syndrome, classic type, 1 (EDSCL1). Also called: EHLERS-DANLOS SYNDROME, GRAVIS TYPE; EHLERS-DANLOS SYNDROME, SEVERE CLASSIC TYPE; Ehlers-Danlos syndrome, type 1; EDS I; Ehlers-Danlos Syndrome, Classic Type, COL5A1-Related. Identifiers: MedGen C0268335, MONDO:0019567, OMIM 130000.

Submission:

Labcorp Genetics (formerly Invitae), Labcorp
Classification: Uncertain significance for Ehlers-Danlos syndrome, classic type, 1. Last evaluated: 2022-01-05. Review status: criteria provided, single submitter. Criteria: Invitae Variant Classification Sherloc (09022015). Collection method: clinical testing. Allele origin: germline.
Comment: In summary, the available evidence is currently insufficient to determine the role of this variant in disease. Therefore, it has been classified as a Variant of Uncertain Significance. Variants that disrupt the consensus splice site are a relatively common cause of aberrant splicing (PMID: 17576681, 9536098). Algorithms developed to predict the effect of sequence changes on RNA splicing suggest that this variant may disrupt the consensus splice site. Algorithms developed to predict the effect of missense changes on protein structure and function (SIFT, PolyPhen-2, Align-GVGD) all suggest that this variant is likely to be disruptive. This variant has not been reported in the literature in individuals affected with COL5A2-related conditions. This variant is not present in population databases (gnomAD no frequency). This sequence change replaces arginine, which is basic and polar, with serine, which is neutral and polar, at codon 641 of the COL5A2 protein (p.Arg641Ser). This variant also falls at the last nucleotide of exon 28, which is part of the consensus splice site for this exon.

Literature cited by the submitters: PubMed 17576681; PubMed 9536098.

NM_000393.5(COL5A2):c.1923G>T (p.Arg641Ser)

Gene: COL5A2 (collagen type V alpha 2 chain; minus strand). Cytogenetic location: 2q32.2.
Variant type: single nucleotide variant.
Coding change: c.1923G>T on transcript NM_000393.5 (MANE Select); coding-DNA position 1923, G replaced by T.
Protein change: p.Arg641Ser; replaces arginine 641 with serine.
Molecular consequence: missense variant.
Genome position (GRCh38, 1-based): chr2:189,063,010, C>A on the plus strand (G>T on the coding strand, the complement: COL5A2 is on the minus strand). VCF-style: chr2-189063010-C-A. GRCh37 (hg19) VCF-style: chr2-189927736-C-A.
Other names: short protein forms R641S.
Identifiers: ClinVar variation 2075498 (VCV002075498.4), dbSNP rs2469295098, ClinGen allele CA349879256.
Genomic context (GRCh38, chr2:189,063,010, plus strand): 5'-GTCTATGATAATTTAAATAGTACCTACATTATTTTTCTTTAGCAGAAAATGTATATTTAC[C>A]CTCTGCCCAGGAACTCCAGCATTTCCTGCTTCTCCAGGTTTCCCAGGGTCACCCTAAAGA-3'
Protein context (NP_000384.2, residues 631-651): EAGNAGVPGQ[Arg641Ser]GAPGKDGEVG